The following is an entry in ClinVar:

NM_002692.4(POLE2):c.191G>C (p.Arg64Pro)

Gene: POLE2 (DNA polymerase epsilon 2, accessory subunit; minus strand). Cytogenetic location: 14q21.3.
Variant type: single nucleotide variant.
Coding change: c.191G>C on transcript NM_002692.4 (MANE Select); coding-DNA position 191, G replaced by C.
Protein change: p.Arg64Pro; replaces arginine 64 with proline.
Molecular consequence: missense variant. On other transcripts: 5 prime UTR variant (1).
Genome position (GRCh38, 1-based): chr14:49,679,779, C>G on the plus strand (G>C on the coding strand, the complement: POLE2 is on the minus strand). VCF-style: chr14-49679779-C-G. GRCh37 (hg19) VCF-style: chr14-50146497-C-G.
Other names: c.191G>C, p.Arg64Pro (NM_001197330.2, NM_001197331.3, NM_001348384.2); c.-45G>C (NM_001348385.2); short protein forms R64P.
Identifiers: ClinVar variation 3677293 (VCV003677293.2).

ClinVar aggregate classification (germline): Uncertain significance (1 of 4 stars; one submission).

Submission:

Labcorp Genetics (formerly Invitae), Labcorp
Classification: Uncertain significance. Last evaluated: 2024-07-19. Review status: criteria provided, single submitter. Criteria: Invitae Variant Classification Sherloc (09022015). Collection method: clinical testing. Allele origin: germline.
Comment: This sequence change replaces arginine, which is basic and polar, with proline, which is neutral and non-polar, at codon 64 of the POLE2 protein (p.Arg64Pro). This variant is not present in population databases (gnomAD no frequency). This variant has not been reported in the literature in individuals affected with POLE2-related conditions. An algorithm developed to predict the effect of missense changes on protein structure and function (PolyPhen-2) suggests that this variant is likely to be disruptive. In summary, the available evidence is currently insufficient to determine the role of this variant in disease. Therefore, it has been classified as a Variant of Uncertain Significance.